The following is an entry in ClinVar:

NC_000009.12:g.35658025_35658035dup

Gene: RMRP (RNA component of mitochondrial RNA processing endoribonuclease; minus strand). Cytogenetic location: 9p13.3.
Variant type: Duplication.
Genome position: GRCh38 VCF-style: chr9-35658024-C-CTCAGCTTCACA. GRCh37 (hg19) VCF-style: chr9-35658021-C-CTCAGCTTCACA.
Identifiers: ClinVar variation 2778505 (VCV002778505.3), dbSNP rs1554651464, ClinGen allele CA1846127693.

ClinVar aggregate classification (germline): Pathogenic (1 of 4 stars; one submission).

Conditions:
Anauxetic dysplasia. Identifiers: Orphanet 93347, MedGen C1846796, MONDO:0011773.

Allele frequency attached by ClinVar (database versions not stated): TOPMed 0.00001.

Submission:

Labcorp Genetics (formerly Invitae), Labcorp
Classification: Pathogenic for Anauxetic dysplasia. Last evaluated: 2023-09-11. Review status: criteria provided, single submitter. Criteria: Invitae Variant Classification Sherloc (09022015). Collection method: clinical testing. Allele origin: germline.
Comment: For these reasons, this variant has been classified as Pathogenic. While functional studies for this variant have not been reported, experimental analyses using patient derived cells, as well as in vitro transfection studies, have shown that promoter insertions result in silencing of RMRP transcription and reduced expression of the gene product (PMID: 11207361, 16254002). While this particular variant has not been reported in the literature, it is located in the promoter region between the TATA box and the transcription initiation site, and other insertions and duplications immediately upstream of the coding sequence have been reported in individuals affected with cartilage-hair hypoplasia-anauxetic dysplasia (CHH-AD) spectrum disorders (PMID: 16244706, 11207361, 12107819). This variant is not present in population databases (gnomAD no frequency). This variant occurs in the RMRP gene, which encodes an RNA molecule that does not result in a protein product.

Literature cited by the submitters: PubMed 11207361; PubMed 16254002; PubMed 16244706; PubMed 12107819.